The following is an entry in ClinVar:

NM_003394.4(WNT10B):c.551C>G (p.Ser184Ter)

Gene: WNT10B (Wnt family member 10B; minus strand). Cytogenetic location: 12q13.12.
Variant type: single nucleotide variant.
Coding change: c.551C>G on transcript NM_003394.4 (MANE Select); coding-DNA position 551, C replaced by G.
Protein change: p.Ser184Ter; replaces serine 184 with a stop codon.
Molecular consequence: nonsense.
Genome position (GRCh38, 1-based): chr12:48,968,106, G>C on the plus strand (C>G on the coding strand, the complement: WNT10B is on the minus strand). VCF-style: chr12-48968106-G-C. GRCh37 (hg19) VCF-style: chr12-49361889-G-C.
Other names: short protein forms S184*.
Identifiers: ClinVar variation 4883334 (VCV004883334.2).
Genomic context (GRCh38, chr12:48,968,106, plus strand): 5'-TCCATGTCATGGTTACAGCCACCCCATTCCCATGTGTCCTGGGGGCCAGGGCTGGGGCTT[G>C]AGCCAGGGCCAGGGCTGGGCAGAGAGTGGGGGAAACTCTTGCCTCGGGACAGTGCCTGCA-3'

ClinVar aggregate classification (germline): Likely pathogenic (1 of 4 stars; one submission).

Conditions:
Split hand-foot malformation 6. Also called: ECTRODACTYLY, AUTOSOMAL RECESSIVE. Identifiers: Orphanet 2440, MedGen C2749665, MONDO:0009157, OMIM 225300.

Submission:

Dasa
Classification: Likely pathogenic for Split hand-foot malformation 6. Last evaluated: 2025-02-15. Review status: criteria provided, single submitter. Criteria: DASA Assertion Criteria. Collection method: clinical testing. Allele origin: germline.
Comment: NM_003394.4(WNT10B):c.551C>G (p.Ser184*) is a nonsense variant in WNT10B predicted to introduce a premature termination codon and is predicted to result in an absent or altered protein product. Loss of function is an established disease mechanism for WNT10B-associated disorders. Also, this variant is absent from population databases. Based on the currently available evidence, this variant is classified as likely pathogenic.